The following is an entry in ClinVar:

NM_001197104.2(KMT2A):c.5364-2A>G

Gene: KMT2A (lysine methyltransferase 2A; plus strand). Cytogenetic location: 11q23.3.
Variant type: single nucleotide variant.
Coding change: c.5364-2A>G on transcript NM_001197104.2 (MANE Select); the canonical splice acceptor site of the intron before coding-DNA position 5364, A replaced by G.
Molecular consequence: splice acceptor variant.
Genome position (GRCh38, 1-based): chr11:118,495,698, A>G. VCF-style: chr11-118495698-A-G. GRCh37 (hg19) VCF-style: chr11-118366413-A-G.
Other names: c.5454-2A>G (NM_001412597.1); c.5355-2A>G (NM_005933.4).
Identifiers: ClinVar variation 3696647 (VCV003696647.2).

ClinVar aggregate classification (germline): Uncertain significance (1 of 4 stars; one submission).

gnomAD v4.1: 26 of 1,602,572 alleles (0.0016%); highest among the groups gnomAD compares: Non-Finnish European, 0.0022%; no homozygotes.

Submission:

Labcorp Genetics (formerly Invitae), Labcorp
Classification: Uncertain significance. Last evaluated: 2025-02-24. Review status: criteria provided, single submitter. Criteria: Invitae Variant Classification Sherloc (09022015). Collection method: clinical testing. Allele origin: germline.
Comment: This sequence change affects an acceptor splice site in intron 18 of the KMT2A gene. It is expected to disrupt RNA splicing. Variants that disrupt the donor or acceptor splice site typically lead to a loss of protein function (PMID: 16199547), however the current clinical and genetic evidence is not sufficient to establish whether loss-of-function variants in KMT2A cause disease. This variant is present in population databases (rs781984541, gnomAD 0.0009%). This variant has not been reported in the literature in individuals affected with KMT2A-related conditions. Disruption of this splice site has been observed in at least one individual who was not affected with KMT2A-related conditions (internal data). Algorithms developed to predict the effect of sequence changes on RNA splicing suggest that this variant may disrupt the consensus splice site. In summary, the available evidence is currently insufficient to determine the role of this variant in disease. Therefore, it has been classified as a Variant of Uncertain Significance.

Literature cited by the submitters: PubMed 16199547.